The following is an entry in ClinVar:

NM_032119.4(ADGRV1):c.16172T>G (p.Leu5391Arg)

Gene: ADGRV1 (adhesion G protein-coupled receptor V1; plus strand). Cytogenetic location: 5q14.3.
Variant type: single nucleotide variant.
Coding change: c.16172T>G on transcript NM_032119.4 (MANE Select); coding-DNA position 16172, T replaced by G.
Protein change: p.Leu5391Arg; replaces leucine 5391 with arginine.
Molecular consequence: missense variant. On other transcripts: non-coding transcript variant (1).
Genome position (GRCh38, 1-based): chr5:90,815,712, T>G. VCF-style: chr5-90815712-T-G. GRCh37 (hg19) VCF-style: chr5-90111529-T-G.
Other names: short protein forms L5391R.
Identifiers: ClinVar variation 1371018 (VCV001371018.5), dbSNP rs2150251978, ClinGen allele CA360412704.
Genomic context (GRCh38, chr5:90,815,712, plus strand): 5'-GTGAGGAGTCCCAGAGTGGACTAGAACTCAGGGAAGGAGCTGTTATGAGAAGATTGCACC[T>G]TATTGTCACAAGACAGCCAAACAGGTATGTGTATATATAGTATATGGAAGACGTAACATT-3'
Protein context (NP_115495.3, residues 5381-5401): REGAVMRRLH[Leu5391Arg]IVTRQPNRAF

ClinVar aggregate classification (germline): Uncertain significance (1 of 4 stars; one submission).

Submission:

Labcorp Genetics (formerly Invitae), Labcorp
Classification: Uncertain significance. Last evaluated: 2022-07-26. Review status: criteria provided, single submitter. Criteria: Invitae Variant Classification Sherloc (09022015). Collection method: clinical testing. Allele origin: germline.
Comment: This sequence change replaces leucine, which is neutral and non-polar, with arginine, which is basic and polar, at codon 5391 of the ADGRV1 protein (p.Leu5391Arg). This variant is not present in population databases (gnomAD no frequency). This missense change has been observed in individual(s) with deafness (Invitae). ClinVar contains an entry for this variant (Variation ID: 1371018). Algorithms developed to predict the effect of missense changes on protein structure and function are either unavailable or do not agree on the potential impact of this missense change (SIFT: "Deleterious"; PolyPhen-2: "Possibly Damaging"; Align-GVGD: "Class C0"). In summary, the available evidence is currently insufficient to determine the role of this variant in disease. Therefore, it has been classified as a Variant of Uncertain Significance.